The following is an entry in ClinVar:

NM_000169.3(GLA):c.123_126dup (p.Gly43fs)

Genes: GLA (galactosidase alpha; minus strand), RPL36A-HNRNPH2 (RPL36A-HNRNPH2 readthrough; plus strand). Cytogenetic location: Xq22.1.
Variant type: Duplication.
Coding change: c.123_126dup on transcript NM_000169.3 (MANE Select); coding-DNA positions 123 to 126, 4 bases duplicated (CATG; older notation c.123_126dupCATG).
Protein change: p.Gly43fs; shifts the reading frame from glycine 43.
Molecular consequence: frameshift variant. On other transcripts: non-coding transcript variant (3), intron variant (2).
Genome position (GRCh38, 1-based): chrX:101,407,778-101,407,781, CATG duplicated on the plus strand (CATG on the coding strand, the reverse complement: GLA is on the minus strand). VCF-style (leftmost placement, unchanged base first): chrX-101407777-C-CCATG. GRCh37 (hg19) VCF-style: chrX-100662765-C-CCATG.
Other names: c.123_126dup, p.Gly43fs (NM_001406747.1, NM_001406748.1, NM_001406749.1); c.301-4158_301-4155dup (NM_001199973.2); c.178-4158_178-4155dup (NM_001199974.2); short protein forms G43fs.
Identifiers: ClinVar variation 4087259 (VCV004087259.2).
Genomic context (GRCh38, chrX:101,407,777, plus strand): 5'-AGGAATCTGGCTCTTCCTGGCAGTCAAGGTTGCACATGAAGCGCTCCCAGTGCAGCCAGC[C>CCATG]CATGGTAGGCGTCCTTGCCAATCCATTGTCCAGTGCTCTAGCCCCAGGGATGTCCCAGGA-3'

ClinVar aggregate classification (germline): Pathogenic (1 of 4 stars; one submission).

Conditions:
Fabry disease. Also called: ALPHA-GALACTOSIDASE A DEFICIENCY; ANDERSON-FABRY DISEASE; CERAMIDE TRIHEXOSIDASE DEFICIENCY; GLA DEFICIENCY; HEREDITARY DYSTOPIC LIPIDOSIS; Angiokeratoma corporis diffusum. Identifiers: Orphanet 324, MedGen C0002986, MONDO:0010526, OMIM 301500, HP:0001071. Disease mechanism: Fabry disease is due to inactivating mutations in the X-linked GLA gene resulting in deficiency of the enzyme Alpha Galactosidase-A., loss of function.

Submission:

Genomenon, Inc
Classification: Pathogenic for Fabry disease. Last evaluated: 2026-09-08. Review status: criteria provided, single submitter. Criteria: Genomenon Sequence Variant Interpretation Standards - Updated. Collection method: curation. Allele origin: germline. Affected: yes.
Comment: GLA p.Gly43HisfsTer14 (c.123_126dup) is a frameshift variant that is predicted to introduce a premature termination codon and result in a truncated or absent protein product. This variant has been observed in at least one proband with clinical features consistent with Fabry disease (PMID:28069318;12920095;12668521). The variant was found to segregate with disease in at least one affected family (PMID:12920095;12668521). Functional or patient cell studies have been reported (PMID:27083555;18445046;12920095;12668521). It is absent or not present at a significant frequency in gnomAD. In conclusion, we classify GLA p.Gly43HisfsTer14 (c.123_126dup) as a pathogenic variant.

Literature cited by the submitters: PubMed 28069318; PubMed 12920095; PubMed 12668521; PubMed 27083555; PubMed 18445046.